The following is an entry in ClinVar:

NM_002047.4(GARS1):c.1348A>G (p.Lys450Glu)

Gene: GARS1 (glycyl-tRNA synthetase 1; plus strand). Cytogenetic location: 7p14.3.
Variant type: single nucleotide variant.
Coding change: c.1348A>G on transcript NM_002047.4 (MANE Select); coding-DNA position 1348, A replaced by G.
Protein change: p.Lys450Glu; replaces lysine 450 with glutamic acid.
Molecular consequence: missense variant.
Genome position (GRCh38, 1-based): chr7:30,617,267, A>G. VCF-style: chr7-30617267-A-G. GRCh37 (hg19) VCF-style: chr7-30656883-A-G.
Other names: c.1186A>G, p.Lys396Glu (NM_001316772.1); short protein forms K396E, K450E.
Identifiers: ClinVar variation 2035014 (VCV002035014.4), dbSNP rs2534314022, ClinGen allele CA367127575.

ClinVar aggregate classification (germline): Uncertain significance (1 of 4 stars; one submission).

Conditions:
Charcot-Marie-Tooth disease type 2. Also called: Charcot-Marie-Tooth type 2. Identifiers: Orphanet 64746, MedGen C0270914, MONDO:0018993.

Submission:

Labcorp Genetics (formerly Invitae), Labcorp
Classification: Uncertain significance for Charcot-Marie-Tooth disease type 2. Last evaluated: 2022-12-05. Review status: criteria provided, single submitter. Criteria: Invitae Variant Classification Sherloc (09022015). Collection method: clinical testing. Allele origin: germline.
Comment: This sequence change replaces lysine, which is basic and polar, with glutamic acid, which is acidic and polar, at codon 450 of the GARS protein (p.Lys450Glu). This variant is not present in population databases (gnomAD no frequency). This variant has not been reported in the literature in individuals affected with GARS-related conditions. Advanced modeling of protein sequence and biophysical properties (such as structural, functional, and spatial information, amino acid conservation, physicochemical variation, residue mobility, and thermodynamic stability) performed at Invitae indicates that this missense variant is not expected to disrupt GARS protein function. In summary, the available evidence is currently insufficient to determine the role of this variant in disease. Therefore, it has been classified as a Variant of Uncertain Significance.